The following is an entry in ClinVar:

ClinVar aggregate classification (germline): Likely benign (1 of 4 stars; one submission).

Allele frequency attached by ClinVar (database versions not stated): 1000 Genomes Project 30x 0.00593; 1000 Genomes Project 0.00639; gnomAD 0.00642 and 0.00703; TOPMed 0.00736.
gnomAD v4.1: 968 of 151,932 alleles (0.64%); highest among the groups gnomAD compares: African/African-American, 2.2%; 8 homozygotes.

Submission:

GeneDx
Classification: Likely benign. Last evaluated: 2018-06-14. Review status: criteria provided, single submitter. Criteria: GeneDx Variant Classification (06012015). Collection method: clinical testing. Allele origin: germline. Affected: yes.
Comment: This variant is considered likely benign or benign based on one or more of the following criteria: it is a conservative change, it occurs at a poorly conserved position in the protein, it is predicted to be benign by multiple in silico algorithms, and/or has population frequency not consistent with disease.

NM_006073.4(TRDN):c.1721-203C>T

Gene: TRDN (triadin; minus strand). Cytogenetic location: 6q22.31.
Variant type: single nucleotide variant.
Coding change: c.1721-203C>T on transcript NM_006073.4 (MANE Select); 203 bases into the intron before coding-DNA position 1721, C replaced by T.
Molecular consequence: intron variant.
Genome position (GRCh38, 1-based): chr6:123,270,069, G>A on the plus strand (C>T on the coding strand, the complement: TRDN is on the minus strand). VCF-style: chr6-123270069-G-A. GRCh37 (hg19) VCF-style: chr6-123591214-G-A.
Identifiers: ClinVar variation 679436 (VCV000679436.1), dbSNP rs142776178, ClinGen allele CA147230948.
Genomic context (GRCh38, chr6:123,270,069, plus strand): 5'-TATTTTACTGTCAGCAAATACATTAATCAAACTGCAAAAAACTAGTAAGACACATGCTAC[G>A]CACATAAAATTTAAAACAATCTATATATTTGAGTCACAAATACATTGAGCTAGCTTCTTC-3'